The following is an entry in ClinVar:

NM_006514.4(SCN10A):c.753C>G (p.Ile251Met)

Gene: SCN10A (sodium voltage-gated channel alpha subunit 10; minus strand). Cytogenetic location: 3p22.2.
Variant type: single nucleotide variant.
Coding change: c.753C>G on transcript NM_006514.4 (MANE Select); coding-DNA position 753, C replaced by G.
Protein change: p.Ile251Met; replaces isoleucine 251 with methionine.
Molecular consequence: missense variant.
Genome position (GRCh38, 1-based): chr3:38,761,322, G>C on the plus strand (C>G on the coding strand, the complement: SCN10A is on the minus strand). VCF-style: chr3-38761322-G-C. GRCh37 (hg19) VCF-style: chr3-38802813-G-C.
Other names: c.753C>G, p.Ile251Met (NM_001293306.2, NM_001293307.2); c.753C>G (NM_006514.2); short protein forms I251M.
Identifiers: ClinVar variation 463272 (VCV000463272.9), dbSNP rs747296872, ClinGen allele CA72995123.

ClinVar aggregate classification (germline): Uncertain significance. Review status: criteria provided, multiple submitters, no conflicts (2 of 4 stars). 2 submissions from 2 submitters: Uncertain significance (2). Last evaluated 2025-04-04.

Conditions:
Cardiovascular phenotype. Identifiers: MedGen CN230736.
Brugada syndrome. Also called: Sudden unexpected nocturnal death syndrome; Sudden Unexplained Death Syndrome; Sudden Unexplained Nocturnal Death Syndrome (SUNDS); Sudden unexplained nocturnal death syndrome. Identifiers: Orphanet 130, MedGen C1142166, MONDO:0015263.

Allele frequency attached by ClinVar (database versions not stated): gnomAD 0.00001; TOPMed 0.00002.

Submissions (2):

Ambry Genetics
Classification: Uncertain significance for Cardiovascular phenotype. Last evaluated: 2025-04-04. Review status: criteria provided, single submitter. Criteria: Ambry Variant Classification Scheme 2023. Collection method: clinical testing. Allele origin: germline.

Labcorp Genetics (formerly Invitae), Labcorp
Classification: Uncertain significance for Brugada syndrome. Last evaluated: 2025-02-12. Review status: criteria provided, single submitter. Criteria: Invitae Variant Classification Sherloc (09022015). Collection method: clinical testing. Allele origin: germline.
Comment: This sequence change replaces isoleucine, which is neutral and non-polar, with methionine, which is neutral and non-polar, at codon 251 of the SCN10A protein (p.Ile251Met). This variant is not present in population databases (gnomAD no frequency). This variant has not been reported in the literature in individuals affected with SCN10A-related conditions. ClinVar contains an entry for this variant (Variation ID: 463272). Invitae Evidence Modeling of protein sequence and biophysical properties (such as structural, functional, and spatial information, amino acid conservation, physicochemical variation, residue mobility, and thermodynamic stability) indicates that this missense variant is not expected to disrupt SCN10A protein function with a negative predictive value of 80%. In summary, the available evidence is currently insufficient to determine the role of this variant in disease. Therefore, it has been classified as a Variant of Uncertain Significance.